The following is an entry in ClinVar:

ClinVar aggregate classification (germline): Uncertain significance. Review status: criteria provided, multiple submitters, no conflicts (2 of 4 stars). 3 submissions from 3 submitters: Uncertain significance (3). Last evaluated 2025-08-10.

Conditions:
Colorectal cancer, susceptibility to, 1. Also called: COLORECTAL ADENOMA AND CANCER, SUSCEPTIBILITY TO; COLORECTAL CANCER, SUSCEPTIBILITY TO, ON CHROMOSOME 9. Identifiers: MedGen C1837315, MONDO:0012132, OMIM 608812.

Allele frequency attached by ClinVar (database versions not stated): TOPMed 0.00001; gnomAD exomes 0.00002; gnomAD 0.00003 and 0.00004.

Submissions (3):

Ambry Genetics
Classification: Uncertain significance. Last evaluated: 2025-08-10. Review status: criteria provided, single submitter. Criteria: Ambry Variant Classification Scheme 2023. Collection method: clinical testing. Allele origin: germline.

Baylor Genetics
Classification: Uncertain significance for Colorectal cancer, susceptibility to, 1. Last evaluated: 2023-12-14. Review status: criteria provided, single submitter. Criteria: ACMG Guidelines, 2015. Collection method: clinical testing. Allele origin: unknown.

Labcorp Genetics (formerly Invitae), Labcorp
Classification: Uncertain significance. Last evaluated: 2023-02-04. Review status: criteria provided, single submitter. Criteria: Invitae Variant Classification Sherloc (09022015). Collection method: clinical testing. Allele origin: germline.
Comment: This variant has not been reported in the literature in individuals affected with GALNT12-related conditions. This variant is not present in population databases (gnomAD no frequency). This sequence change replaces glycine, which is neutral and non-polar, with serine, which is neutral and polar, at codon 76 of the GALNT12 protein (p.Gly76Ser). ClinVar contains an entry for this variant (Variation ID: 863818). In summary, the available evidence is currently insufficient to determine the role of this variant in disease. Therefore, it has been classified as a Variant of Uncertain Significance. Advanced modeling of protein sequence and biophysical properties (such as structural, functional, and spatial information, amino acid conservation, physicochemical variation, residue mobility, and thermodynamic stability) performed at Invitae indicates that this missense variant is not expected to disrupt GALNT12 protein function.

NM_024642.5(GALNT12):c.226G>A (p.Gly76Ser)

Gene: GALNT12 (polypeptide N-acetylgalactosaminyltransferase 12; plus strand). Cytogenetic location: 9q22.33.
Variant type: single nucleotide variant.
Coding change: c.226G>A on transcript NM_024642.5 (MANE Select); coding-DNA position 226, G replaced by A.
Protein change: p.Gly76Ser; replaces glycine 76 with serine.
Molecular consequence: missense variant.
Genome position (GRCh38, 1-based): chr9:98,807,924, G>A. VCF-style: chr9-98807924-G-A. GRCh37 (hg19) VCF-style: chr9-101570206-G-A.
Other names: short protein forms G76S.
Identifiers: ClinVar variation 863818 (VCV000863818.15), dbSNP rs1036085286, ClinGen allele CA374222560.